The following is an entry in ClinVar:

ClinVar aggregate classification (germline): Uncertain significance (1 of 4 stars; one submission).

Conditions:
Fanconi anemia (FA). Also called: Fanconi's anemia. Identifiers: Orphanet 84, MedGen C0015625, MeSH D005199, MONDO:0019391.

Submission:

Labcorp Genetics (formerly Invitae), Labcorp
Classification: Uncertain significance for Fanconi anemia. Last evaluated: 2021-10-07. Review status: criteria provided, single submitter. Criteria: Invitae Variant Classification Sherloc (09022015). Collection method: clinical testing. Allele origin: germline.
Comment: In summary, the available evidence is currently insufficient to determine the role of this variant in disease. Therefore, it has been classified as a Variant of Uncertain Significance. Algorithms developed to predict the effect of missense changes on protein structure and function are either unavailable or do not agree on the potential impact of this missense change (SIFT: "Deleterious"; PolyPhen-2: "Benign"; Align-GVGD: "Class C0"). This variant has not been reported in the literature in individuals affected with FANCA-related conditions. This variant is not present in population databases (ExAC no frequency). This sequence change replaces methionine with isoleucine at codon 427 of the FANCA protein (p.Met427Ile). The methionine residue is highly conserved and there is a small physicochemical difference between methionine and isoleucine.

NM_000135.4(FANCA):c.1281G>A (p.Met427Ile)

Gene: FANCA (FA complementation group A; minus strand). Cytogenetic location: 16q24.3.
Variant type: single nucleotide variant.
Coding change: c.1281G>A on transcript NM_000135.4 (MANE Select); coding-DNA position 1281, G replaced by A.
Protein change: p.Met427Ile; replaces methionine 427 with isoleucine.
Molecular consequence: missense variant.
Genome position (GRCh38, 1-based): chr16:89,791,481, C>T on the plus strand (G>A on the coding strand, the complement: FANCA is on the minus strand). VCF-style: chr16-89791481-C-T. GRCh37 (hg19) VCF-style: chr16-89857889-C-T.
Other names: c.1281G>A, p.Met427Ile (NM_001286167.3); short protein forms M427I.
Identifiers: ClinVar variation 1437065 (VCV001437065.6), dbSNP rs747322973, ClinGen allele CA397464157.
Genomic context (GRCh38, chr16:89,791,481, plus strand): 5'-TGACAGGAACGCAGAGGGGCCCTCCAGTGCTGCCTGGCGCACAACCAGGAACGCAGTGAC[C>T]ATGCTGTCCAGCTGGCAGCTCTCGAATGCCTGGGCCATCAAACGCGCCACCCAGTCTAGT-3'
Protein context (NP_000126.2, residues 417-437): QAFESCQLDS[Met427Ile]VTAFLVVRQA